The following is an entry in ClinVar:

NM_001127222.2(CACNA1A):c.5625+279C>T

Gene: CACNA1A (calcium voltage-gated channel subunit alpha1 A; minus strand). Cytogenetic location: 19p13.13.
Variant type: single nucleotide variant.
Coding change: c.5625+279C>T on transcript NM_001127222.2 (MANE Select); 279 bases into the intron after coding-DNA position 5625, C replaced by T.
Molecular consequence: intron variant.
Genome position (GRCh38, 1-based): chr19:13,227,152, G>A on the plus strand (C>T on the coding strand, the complement: CACNA1A is on the minus strand). VCF-style: chr19-13227152-G-A. GRCh37 (hg19) VCF-style: chr19-13337966-G-A.
Other names: c.5628+1547C>T (NM_001127221.2); c.5634+279C>T (NM_001174080.2); c.5643+279C>T (NM_000068.4, NM_023035.3).
Identifiers: ClinVar variation 668778 (VCV000668778.1), dbSNP rs3786935, ClinGen allele CA14734642.

ClinVar aggregate classification (germline): Benign (1 of 4 stars; one submission).

Allele frequency attached by ClinVar (database versions not stated): gnomAD 0.14311 and 0.14907; TOPMed 0.14759; 1000 Genomes Project 30x 0.16349; 1000 Genomes Project 0.16733; gnomAD exomes 0.17759.
gnomAD v4.1: 34,984 of 221,816 alleles (16%); highest among the groups gnomAD compares: Middle Eastern, 29%; 3,414 homozygotes.

Submission:

GeneDx
Classification: Benign. Last evaluated: 2018-06-19. Review status: criteria provided, single submitter. Criteria: GeneDx Variant Classification (06012015). Collection method: clinical testing. Allele origin: germline. Affected: yes.
Comment: This variant is considered likely benign or benign based on one or more of the following criteria: it is a conservative change, it occurs at a poorly conserved position in the protein, it is predicted to be benign by multiple in silico algorithms, and/or has population frequency not consistent with disease.